The following is an entry in ClinVar:

NM_005573.4(LMNB1):c.112G>A (p.Glu38Lys)

Gene: LMNB1 (lamin B1; plus strand). Cytogenetic location: 5q23.2.
Variant type: single nucleotide variant.
Coding change: c.112G>A on transcript NM_005573.4 (MANE Select); coding-DNA position 112, G replaced by A.
Protein change: p.Glu38Lys; replaces glutamic acid 38 with lysine.
Molecular consequence: missense variant. On other transcripts: non-coding transcript variant (1), intron variant (1).
Genome position (GRCh38, 1-based): chr5:126,777,620, G>A. VCF-style: chr5-126777620-G-A. GRCh37 (hg19) VCF-style: chr5-126113312-G-A.
Other names: c.-272+376G>A (NM_001198557.2); short protein forms E38K.
Identifiers: ClinVar variation 1375901 (VCV001375901.6), dbSNP rs1750498087, ClinGen allele CA360724537.

ClinVar aggregate classification (germline): Uncertain significance (1 of 4 stars; one submission).

Allele frequency attached by ClinVar (database versions not stated): TOPMed below 0.00001; gnomAD exomes 0.00001.

Submission:

Labcorp Genetics (formerly Invitae), Labcorp
Classification: Uncertain significance. Last evaluated: 2021-09-15. Review status: criteria provided, single submitter. Criteria: Invitae Variant Classification Sherloc (09022015). Collection method: clinical testing. Allele origin: germline.
Comment: This sequence change replaces glutamic acid with lysine at codon 38 of the LMNB1 protein (p.Glu38Lys). The glutamic acid residue is moderately conserved and there is a small physicochemical difference between glutamic acid and lysine. The frequency data for this variant in the population databases is considered unreliable, as metrics indicate insufficient coverage at this position in the ExAC database. This variant has not been reported in the literature in individuals affected with LMNB1-related conditions. Algorithms developed to predict the effect of missense changes on protein structure and function are either unavailable or do not agree on the potential impact of this missense change (SIFT: "Deleterious"; PolyPhen-2: "Benign"; Align-GVGD: "Class C0"). In summary, the available evidence is currently insufficient to determine the role of this variant in disease. Therefore, it has been classified as a Variant of Uncertain Significance.